The following is an entry in ClinVar:

ClinVar aggregate classification (germline): Likely pathogenic (1 of 4 stars; one submission).

Submission:

GeneDx
Classification: Likely pathogenic. Last evaluated: 2023-04-18. Review status: criteria provided, single submitter. Criteria: GeneDx Variant Classification Process June 2021. Collection method: clinical testing. Allele origin: germline. Affected: yes.
Comment: Reported in the heterozygous state in a patient with postviral encephalitis and skin manifestations of dyschromatosis symmetrica hereditaria (Kono et al., 2013); In silico analysis supports that this missense variant has a deleterious effect on protein structure/function; Not observed at significant frequency in large population cohorts (gnomAD); This variant is associated with the following publications: (PMID: 24261734)

NM_001111.5(ADAR):c.3102G>A (p.Met1034Ile)

Gene: ADAR (adenosine deaminase RNA specific; minus strand). Cytogenetic location: 1q21.3.
Variant type: single nucleotide variant.
Coding change: c.3102G>A on transcript NM_001111.5 (MANE Select); coding-DNA position 3102, G replaced by A.
Protein change: p.Met1034Ile; replaces methionine 1034 with isoleucine.
Molecular consequence: missense variant.
Genome position (GRCh38, 1-based): chr1:154,586,281, C>T on the plus strand (G>A on the coding strand, the complement: ADAR is on the minus strand). VCF-style: chr1-154586281-C-T. GRCh37 (hg19) VCF-style: chr1-154558757-C-T.
Other names: c.2217G>A, p.Met739Ile (NM_001025107.3, NM_001193495.2, NM_001365046.1 and 2 more transcripts); c.3129G>A, p.Met1043Ile (NM_001365045.1); c.2139G>A, p.Met713Ile (NM_001365049.1); c.3024G>A, p.Met1008Ile (NM_015840.4); c.2967G>A, p.Met989Ile (NM_015841.4); short protein forms M1008I, M1034I, M1043I, M713I, M739I, M989I.
Identifiers: ClinVar variation 2571694 (VCV002571694.1), dbSNP rs2526465386, ClinGen allele CA342635727.
Genomic context (GRCh38, chr1:154,586,281, plus strand): 5'-GGTCAACAGTGCCCCTTGCAGGCCCAGCACGTTCCAGCGTAGGATTTTGTCACTACAGGA[C>T]ATGGTACGGAGTCTCTCCCCGAGCCGAATGCCATCCCACGTAGGCACAATGTCACTGGAT-3'
Protein context (NP_001102.3, residues 1024-1044): GIRLGERLRT[Met1034Ile]SCSDKILRWN